The following is an entry in ClinVar:

NM_000755.5(CRAT):c.65T>C (p.Met22Thr)

Gene: CRAT (carnitine O-acetyltransferase; minus strand). Cytogenetic location: 9q34.11.
Variant type: single nucleotide variant.
Coding change: c.65T>C on transcript NM_000755.5 (MANE Select); coding-DNA position 65, T replaced by C.
Protein change: p.Met22Thr; replaces methionine 22 with threonine.
Molecular consequence: missense variant. On other transcripts: initiator codon variant (3).
Genome position (GRCh38, 1-based): chr9:129,108,040, A>G on the plus strand (T>C on the coding strand, the complement: CRAT is on the minus strand). VCF-style: chr9-129108040-A-G. GRCh37 (hg19) VCF-style: chr9-131870319-A-G.
Other names: c.2T>C, p.Met1Thr (NM_001257363.3, NM_001346548.2, NM_004003.4); c.68T>C, p.Met23Thr (NM_001346546.2); c.65T>C, p.Met22Thr (NM_001346547.2, NM_001346549.2); c.65T>C (NM_000755.3); short protein forms M23T, M22T, M1T.
Identifiers: ClinVar variation 2068531 (VCV002068531.6), dbSNP rs140924757, ClinGen allele CA5275880.

ClinVar aggregate classification (germline): Conflicting classifications of pathogenicity. Review status: criteria provided, conflicting classifications (1 of 4 stars). 2 submissions from 2 submitters: Uncertain significance (1); Likely benign (1). Last evaluated 2024-11-11.

Allele frequency attached by ClinVar (database versions not stated): 1000 Genomes Project 0.00020; gnomAD 0.00017; TOPMed 0.00021; gnomAD exomes 0.00002; ExAC 0.00006; ESP Exome Variant Server 0.00023; 1000 Genomes Project 30x 0.00031.

Submissions (2):

Labcorp Genetics (formerly Invitae), Labcorp
Classification: Uncertain significance. Last evaluated: 2024-11-11. Review status: criteria provided, single submitter. Criteria: Invitae Variant Classification Sherloc (09022015). Collection method: clinical testing. Allele origin: germline.
Comment: This sequence change replaces methionine, which is neutral and non-polar, with threonine, which is neutral and polar, at codon 22 of the CRAT protein (p.Met22Thr). This variant is present in population databases (rs140924757, gnomAD 0.06%), and has an allele count higher than expected for a pathogenic variant. This variant has not been reported in the literature in individuals affected with CRAT-related conditions. ClinVar contains an entry for this variant (Variation ID: 2068531). An algorithm developed to predict the effect of missense changes on protein structure and function outputs the following: PolyPhen-2: "Benign". The threonine amino acid residue is found in multiple mammalian species, which suggests that this missense change does not adversely affect protein function. In summary, the available evidence is currently insufficient to determine the role of this variant in disease. Therefore, it has been classified as a Variant of Uncertain Significance.

Ambry Genetics
Classification: Likely benign. Last evaluated: 2023-10-05. Review status: criteria provided, single submitter. Criteria: Ambry Variant Classification Scheme 2023. Collection method: clinical testing. Allele origin: germline.